The following is an entry in ClinVar:

NM_000135.4(FANCA):c.614C>G (p.Ala205Gly)

Gene: FANCA (FA complementation group A; minus strand). Cytogenetic location: 16q24.3.
Variant type: single nucleotide variant.
Coding change: c.614C>G on transcript NM_000135.4 (MANE Select); coding-DNA position 614, C replaced by G.
Protein change: p.Ala205Gly; replaces alanine 205 with glycine.
Molecular consequence: missense variant.
Genome position (GRCh38, 1-based): chr16:89,805,375, G>C on the plus strand (C>G on the coding strand, the complement: FANCA is on the minus strand). VCF-style: chr16-89805375-G-C. GRCh37 (hg19) VCF-style: chr16-89871783-G-C.
Other names: c.614C>G, p.Ala205Gly (NM_001018112.3, NM_001286167.3); c.518C>G, p.Ala173Gly (NM_001351830.2); short protein forms A205G, A173G.
Identifiers: ClinVar variation 853959 (VCV000853959.9), dbSNP rs777556447, ClinGen allele CA397478194.
Genomic context (GRCh38, chr16:89,805,375, plus strand): 5'-CAGGATGCTTCCATCTGTTCACAAAGGCAGCACAGATTCCTGAAGAGCCACGATCCCACA[G>C]CATGCATGTCGGGATGGCTGGAGACACACACAGAGGCAGACGTAAGGCTCAACTAAATCC-3'
Protein context (NP_000126.2, residues 195-215): ELLESHPDMH[Ala205Gly]VGSWLFRNLC

ClinVar aggregate classification (germline): Uncertain significance (1 of 4 stars; one submission).

Conditions:
Fanconi anemia (FA). Also called: Fanconi's anemia. Identifiers: Orphanet 84, MedGen C0015625, MeSH D005199, MONDO:0019391.

Submission:

Labcorp Genetics (formerly Invitae), Labcorp
Classification: Uncertain significance for Fanconi anemia. Last evaluated: 2025-03-18. Review status: criteria provided, single submitter. Criteria: Invitae Variant Classification Sherloc (09022015). Collection method: clinical testing. Allele origin: germline.
Comment: This sequence change replaces alanine, which is neutral and non-polar, with glycine, which is neutral and non-polar, at codon 205 of the FANCA protein (p.Ala205Gly). This variant is not present in population databases (gnomAD no frequency). This variant has not been reported in the literature in individuals affected with FANCA-related conditions. ClinVar contains an entry for this variant (Variation ID: 853959). Invitae Evidence Modeling of protein sequence and biophysical properties (such as structural, functional, and spatial information, amino acid conservation, physicochemical variation, residue mobility, and thermodynamic stability) indicates that this missense variant is not expected to disrupt FANCA protein function with a negative predictive value of 95%. In summary, the available evidence is currently insufficient to determine the role of this variant in disease. Therefore, it has been classified as a Variant of Uncertain Significance.